The following is an entry in ClinVar:

NM_000138.5(FBN1):c.4120T>G (p.Cys1374Gly)

Gene: FBN1 (fibrillin 1; minus strand). Cytogenetic location: 15q21.1.
Variant type: single nucleotide variant.
Coding change: c.4120T>G on transcript NM_000138.5 (MANE Select); coding-DNA position 4120, T replaced by G.
Protein change: p.Cys1374Gly; replaces cysteine 1374 with glycine.
Molecular consequence: missense variant.
Genome position (GRCh38, 1-based): chr15:48,474,345, A>C on the plus strand (T>G on the coding strand, the complement: FBN1 is on the minus strand). VCF-style: chr15-48474345-A-C. GRCh37 (hg19) VCF-style: chr15-48766542-A-C.
Other names: c.4120T>G, p.Cys1374Gly (NM_001406716.1); short protein forms C1374G.
Identifiers: ClinVar variation 1325419 (VCV001325419.5), dbSNP rs2141279837, ClinGen allele CA392320311.

ClinVar aggregate classification (germline): Pathogenic. Review status: criteria provided, multiple submitters, no conflicts (2 of 4 stars). 2 submissions from 2 submitters: Pathogenic (2). Last evaluated 2022-11-10.

Conditions:
Marfan syndrome (MFS). Also called: Marfan syndrome type 1; Marfan's syndrome; FBN1-Related Marfan Syndrome; MARFAN SYNDROME, TYPE I; Marfan syndrome, classic. Identifiers: Orphanet 284963, Orphanet 558, MedGen C0024796, MONDO:0007947, OMIM 154700.

Submissions (2):

Institute of Human Genetics, University of Leipzig Medical Center
Classification: Pathogenic for Marfan syndrome. Last evaluated: 2022-11-10. Review status: criteria provided, single submitter. Criteria: ACMG Guidelines, 2015. Collection method: clinical testing. Allele origin: de novo. Inheritance: Autosomal dominant inheritance. Affected: yes.
Comment: Criteria applied: PM5_STR,PM1,PS4_SUP,PM2_SUP,PP3,PP4

Centre of Medical Genetics, University of Antwerp
Classification: Pathogenic for Marfan syndrome. Last evaluated: 2021-03-01. Review status: criteria provided, single submitter. Criteria: Submitter's publication. Collection method: research. Allele origin: unknown. Affected: yes.
Comment: PM2, PVS2, PP4